The following is an entry in ClinVar:

ClinVar aggregate classification (germline): Uncertain significance. Review status: criteria provided, multiple submitters, no conflicts (2 of 4 stars). 2 submissions from 2 submitters: Uncertain significance (2). Last evaluated 2026-04-19.

Conditions:
ENG-related disorder. Also called: ENG-related condition; ENG-related disorders.
Cardiovascular phenotype. Identifiers: MedGen CN230736.

gnomAD v4.1: 5 of 1,575,526 alleles (0.00032%); highest among the groups gnomAD compares: Non-Finnish European, 0.00043%; no homozygotes.

Submissions (2):

Ambry Genetics
Classification: Uncertain significance for Cardiovascular phenotype. Last evaluated: 2026-04-19. Review status: criteria provided, single submitter. Criteria: Ambry Variant Classification Scheme 2023. Collection method: clinical testing. Allele origin: germline.
Comment: The p.H326Y variant (also known as c.976C>T), located in coding exon 7 of the ENG gene, results from a C to T substitution at nucleotide position 976. The histidine at codon 326 is replaced by tyrosine, an amino acid with similar properties. This amino acid position is conserved. In addition, this alteration is predicted to be tolerated by in silico analysis. Based on the available evidence, the clinical significance of this variant remains unclear.

PreventionGenetics, part of Exact Sciences
Classification: Uncertain significance for ENG-related condition. Last evaluated: 2025-09-04. Review status: criteria provided, single submitter. Criteria: ACMG Guidelines, 2015. Collection method: clinical testing. Allele origin: germline.
Comment: The ENG c.976C>T variant is predicted to result in the amino acid substitution p.His326Tyr. To our knowledge, this variant has not been reported in the literature or in a large population database (gnomAD), indicating this variant is rare. At this time, the clinical significance of this variant is uncertain due to the absence of conclusive functional and genetic evidence.

NM_001114753.3(ENG):c.976C>T (p.His326Tyr)

Gene: ENG (endoglin; minus strand). Cytogenetic location: 9q34.11.
Variant type: single nucleotide variant.
Coding change: c.976C>T on transcript NM_001114753.3 (MANE Select); coding-DNA position 976, C replaced by T.
Protein change: p.His326Tyr; replaces histidine 326 with tyrosine.
Molecular consequence: missense variant.
Genome position (GRCh38, 1-based): chr9:127,824,815, G>A on the plus strand (C>T on the coding strand, the complement: ENG is on the minus strand). VCF-style: chr9-127824815-G-A. GRCh37 (hg19) VCF-style: chr9-130587094-G-A.
Other names: c.976C>T, p.His326Tyr (NM_000118.4, NM_001406715.1); c.430C>T, p.His144Tyr (NM_001278138.2); short protein forms H144Y, H326Y.
Identifiers: ClinVar variation 4870447 (VCV004870447.2).